The following is an entry in ClinVar:

ClinVar aggregate classification (germline): Benign (0 of 4 stars; one submission).

Conditions:
DMGDH-related disorder. Also called: DMGDH-related condition.

Allele frequency attached by ClinVar (database versions not stated): gnomAD exomes 0.00023; ExAC 0.00085; 1000 Genomes Project 30x 0.00234; 1000 Genomes Project 0.00240; gnomAD 0.00252; TOPMed 0.00274; ESP Exome Variant Server 0.00369.
gnomAD v4.1: 739 of 1,614,132 alleles (0.046%); highest among the groups gnomAD compares: African/African-American, 0.85%; 3 homozygotes.

Submission:

PreventionGenetics, part of Exact Sciences
Classification: Benign for DMGDH-related condition. Last evaluated: 2019-10-28. Review status: no assertion criteria provided. Collection method: clinical testing. Allele origin: germline.
Comment: This variant is classified as benign based on ACMG/AMP sequence variant interpretation guidelines (Richards et al. 2015 PMID: 25741868, with internal and published modifications).

NM_013391.3(DMGDH):c.2261T>C (p.Phe754Ser)

Gene: DMGDH (dimethylglycine dehydrogenase; minus strand). Cytogenetic location: 5q14.1.
Variant type: single nucleotide variant.
Coding change: c.2261T>C on transcript NM_013391.3 (MANE Select); coding-DNA position 2261, T replaced by C.
Protein change: p.Phe754Ser; replaces phenylalanine 754 with serine.
Molecular consequence: missense variant.
Genome position (GRCh38, 1-based): chr5:79,005,397, A>G on the plus strand (T>C on the coding strand, the complement: DMGDH is on the minus strand). VCF-style: chr5-79005397-A-G. GRCh37 (hg19) VCF-style: chr5-78301220-A-G.
Other names: short protein forms F754S.
Identifiers: ClinVar variation 3046286 (VCV003046286.2), dbSNP rs75051122, ClinGen allele CA3318465.
Genomic context (GRCh38, chr5:79,005,397, plus strand): 5'-CAGACCAGTCTTCGTTTCAGCCCCTTGGCTTTAATCTGTTTCAGTGCTTGCTTTCCTATG[A>G]AGTCTGCTGGCTGCAGGAATCCAAGATAATGATGATGAATGAATGCTCAGACACTGTGAC-3'
Protein context (NP_037523.2, residues 744-764): YFVKLNKPAD[Phe754Ser]IGKQALKQIK